The following is an entry in ClinVar:

ClinVar aggregate classification (germline): Uncertain significance (1 of 4 stars; one submission).

Conditions:
Hereditary sensory and autonomic neuropathy type 6. Also called: HSAN VI; Neuropathy, hereditary sensory and autonomic, type VI. Identifiers: Orphanet 314381, MedGen C3539003, MONDO:0013839, OMIM 614653.
Epidermolysis bullosa simplex 3, localized or generalized intermediate, with BP230 deficiency (EBS3). Also called: Epidermolysis bullosa simplex due to BP230 deficiency; Epidermolysis bullosa simplex, autosomal recessive 2. Identifiers: Orphanet 412181, MedGen C3809470, MONDO:0014180, OMIM 615425.

Submission:

Labcorp Genetics (formerly Invitae), Labcorp
Classification: Uncertain significance for Epidermolysis bullosa simplex 3, localized or generalized intermediate, with BP230 deficiency; Hereditary sensory and autonomic neuropathy type 6. Last evaluated: 2024-10-15. Review status: criteria provided, single submitter. Criteria: Invitae Variant Classification Sherloc (09022015). Collection method: clinical testing. Allele origin: germline.
Comment: The DST gene has multiple clinically relevant transcripts. This variant occurs in alternate transcript NM_015548.4, and corresponds to NM_001723.5:c.*156483_*156484delinsCC in the primary transcript. This sequence change replaces serine, which is neutral and polar, with proline, which is neutral and non-polar, at codon 5163 of the DST protein (p.Ser5163Pro). Information on the frequency of this variant in the gnomAD database is not available, as this variant may be reported differently in the database. This variant has not been reported in the literature in individuals affected with DST-related conditions. Experimental studies and prediction algorithms are not available or were not evaluated, and the functional significance of this variant is currently unknown. In summary, the available evidence is currently insufficient to determine the role of this variant in disease. Therefore, it has been classified as a Variant of Uncertain Significance.

NM_001374736.1(DST):c.23428_23429delinsCC (p.Ser7810Pro)

Gene: DST (dystonin; minus strand). Cytogenetic location: 6p12.1.
Variant type: Indel.
Coding change: c.23428_23429delinsCC on transcript NM_001374736.1 (MANE Select); coding-DNA positions 23428 to 23429, AG replaced by CC.
Protein change: p.Ser7810Pro; replaces serine 7810 with proline.
Molecular consequence: missense variant.
Genome position (GRCh38, 1-based): chr6:56,459,033-56,459,034, CT replaced by GG on the plus strand (AG replaced by CC on the coding strand, the reverse complement: DST is on the minus strand). VCF-style: chr6-56459033-CT-GG. GRCh37 (hg19) VCF-style: chr6-56323831-CT-GG.
Other names: c.16999_17000delinsCC, p.Ser5667Pro (NM_001144769.5); c.16585_16586delinsCC, p.Ser5529Pro (NM_001144770.2); c.23356_23357delinsCC, p.Ser7786Pro (NM_001374722.1); c.22357_22358delinsCC, p.Ser7453Pro (NM_001374729.1); c.16099_16100delinsCC, p.Ser5367Pro (NM_001374730.1); c.23383_23384delinsCC, p.Ser7795Pro (NM_001374734.1); c.16447_16448delinsCC, p.Ser5483Pro (NM_001386100.1); c.15487_15488delinsCC, p.Ser5163Pro (NM_015548.5); and 1 more; short protein forms S5667P, S5367P, S5483P, S5489P, S7786P, S7795P, S7453P, S5163P.
Identifiers: ClinVar variation 1958494 (VCV001958494.5), dbSNP rs2533174705, ClinGen allele CA2580075553.